The following is an entry in ClinVar:

ClinVar aggregate classification (germline): Pathogenic (1 of 4 stars; one submission).

Submission:

Labcorp Genetics (formerly Invitae), Labcorp
Classification: Pathogenic. Last evaluated: 2021-07-01. Review status: criteria provided, single submitter. Criteria: Invitae Variant Classification Sherloc (09022015). Collection method: clinical testing. Allele origin: germline.
Comment: This variant is a gross deletion of the genomic region encompassing exon(s) 3-15 of the OCA2 gene. This deletion is out-of-frame, and is expected to create a premature translational stop signal and result in an absent or disrupted protein product. Loss-of-function variants in OCA2 are known to be pathogenic (PMID: 19865097, 21541274). This variant has not been reported in the literature in individuals affected with OCA2-related conditions. For these reasons, this variant has been classified as Pathogenic.

Literature cited by the submitters: PubMed 19865097; PubMed 21541274.

NC_000015.9:g.(?_28211816)_(28277329_?)del

Gene: OCA2 (OCA2 melanosomal transmembrane protein; minus strand). Cytogenetic location: 15q13.1.
Variant type: Deletion.
Identifiers: ClinVar variation 1452282 (VCV001452282.4).